The following is an entry in ClinVar:

NM_001277115.2(DNAH11):c.10380G>A (p.Thr3460=)

Gene: DNAH11 (dynein axonemal heavy chain 11; plus strand). Cytogenetic location: 7p15.3.
Variant type: single nucleotide variant.
Coding change: c.10380G>A on transcript NM_001277115.2 (MANE Select); coding-DNA position 10380, G replaced by A.
Protein change: p.Thr3460=; no amino-acid change (threonine 3460 retained).
Molecular consequence: synonymous variant.
Genome position (GRCh38, 1-based): chr7:21,816,514, G>A. VCF-style: chr7-21816514-G-A. GRCh37 (hg19) VCF-style: chr7-21856132-G-A.
Identifiers: ClinVar variation 908740 (VCV000908740.12), dbSNP rs535847014, ClinGen allele CA4182350.

ClinVar aggregate classification (germline): Conflicting classifications of pathogenicity. Review status: criteria provided, conflicting classifications (1 of 4 stars). 4 submissions from 4 submitters: Uncertain significance (2); Benign (1); Likely benign (1). Last evaluated 2026-02-04.

Conditions:
Primary ciliary dyskinesia. Also called: Ciliary dyskinesia. Identifiers: Orphanet 244, MedGen C0008780, MONDO:0016575, HP:0012265.
DNAH11-related disorder. Also called: DNAH11-related condition.
Primary ciliary dyskinesia 7. Also called: CILIARY DYSKINESIA, PRIMARY, 7, WITH OR WITHOUT SITUS INVERSUS. Identifiers: Orphanet 244, MedGen C2678473, MONDO:0012748, OMIM 611884.

Allele frequency attached by ClinVar (database versions not stated): TOPMed 0.00008; gnomAD 0.00009; gnomAD exomes 0.00010 and 0.00012; ExAC 0.00011; 1000 Genomes Project 0.00020; 1000 Genomes Project 30x 0.00047.
gnomAD v4.1: 198 of 1,611,932 alleles (0.012%); highest among the groups gnomAD compares: Middle Eastern, 0.017%; no homozygotes.

Submissions (4):

Labcorp Genetics (formerly Invitae), Labcorp
Classification: Benign for Primary ciliary dyskinesia. Last evaluated: 2026-02-04. Review status: criteria provided, single submitter. Criteria: Invitae Variant Classification Sherloc (09022015). Collection method: clinical testing. Allele origin: germline.

PreventionGenetics, part of Exact Sciences
Classification: Uncertain significance for DNAH11-related condition. Last evaluated: 2025-12-16. Review status: criteria provided, single submitter. Criteria: ACMG Guidelines, 2015. Collection method: clinical testing. Allele origin: germline.
Comment: The DNAH11 c.10380G>A variant is not predicted to result in an amino acid change (p.=). This variant is predicted to impact splicing based on splicing prediction programs (Alamut Visual Plus v1.6.1; SpliceAI, Jaganathan et al. 2019. PubMed ID: 30661751). However, the use of computer prediction programs is not equivalent to functional evidence. To our knowledge, this variant has not been reported in the literature. This variant is reported in 0.021% of alleles in individuals of European (Non-Finnish) descent in gnomAD. At this time, the clinical significance of this variant is uncertain due to the absence of conclusive functional and genetic evidence.

Illumina Laboratory Services, Illumina
Classification: Uncertain significance for Primary ciliary dyskinesia 7. Last evaluated: 2018-01-12. Review status: criteria provided, single submitter. Criteria: ICSL Variant Classification Criteria 13 December 2019. Collection method: clinical testing. Allele origin: germline.

Ambry Genetics
Classification: Likely benign for Primary ciliary dyskinesia. Last evaluated: 2015-09-21. Review status: criteria provided, single submitter. Criteria: Ambry Variant Classification Scheme 2023. Collection method: clinical testing. Allele origin: germline.